The following is an entry in ClinVar:

ClinVar aggregate classification (germline): Uncertain significance (1 of 4 stars; one submission).

Conditions:
Rubinstein-Taybi syndrome (RSTS). Identifiers: Orphanet 783, MedGen C0035934, MONDO:0019188.

Submission:

Labcorp Genetics (formerly Invitae), Labcorp
Classification: Uncertain significance for Rubinstein-Taybi syndrome. Last evaluated: 2023-06-21. Review status: criteria provided, single submitter. Criteria: Invitae Variant Classification Sherloc (09022015). Collection method: clinical testing. Allele origin: germline.
Comment: In summary, the available evidence is currently insufficient to determine the role of this variant in disease. Therefore, it has been classified as a Variant of Uncertain Significance. This sequence change replaces threonine, which is neutral and polar, with serine, which is neutral and polar, at codon 1210 of the CREBBP protein (p.Thr1210Ser). This variant is not present in population databases (gnomAD no frequency). This variant has not been reported in the literature in individuals affected with CREBBP-related conditions. Advanced modeling of protein sequence and biophysical properties (such as structural, functional, and spatial information, amino acid conservation, physicochemical variation, residue mobility, and thermodynamic stability) performed at Invitae indicates that this missense variant is expected to disrupt CREBBP protein function.

NM_004380.3(CREBBP):c.3629C>G (p.Thr1210Ser)

Gene: CREBBP (CREB binding lysine acetyltransferase; minus strand). Cytogenetic location: 16p13.3.
Variant type: single nucleotide variant.
Coding change: c.3629C>G on transcript NM_004380.3 (MANE Select); coding-DNA position 3629, C replaced by G.
Protein change: p.Thr1210Ser; replaces threonine 1210 with serine.
Molecular consequence: missense variant.
Genome position (GRCh38, 1-based): chr16:3,757,357, G>C on the plus strand (C>G on the coding strand, the complement: CREBBP is on the minus strand). VCF-style: chr16-3757357-G-C. GRCh37 (hg19) VCF-style: chr16-3807358-G-C.
Other names: c.3515C>G, p.Thr1172Ser (NM_001079846.1); short protein forms T1172S, T1210S.
Identifiers: ClinVar variation 2720812 (VCV002720812.3), dbSNP rs866432725, ClinGen allele CA394568477.